The following is an entry in ClinVar:

ClinVar aggregate classification (germline): Pathogenic. Review status: criteria provided, multiple submitters, no conflicts (2 of 4 stars). 6 submissions from 6 submitters: Pathogenic (5). 1 of the submissions does not count toward it. Last evaluated 2025-11-25.

Conditions:
Methylmalonic aciduria due to methylmalonyl-CoA mutase deficiency (MAMM). Also called: Methylmalonic aciduria, mut type. Identifiers: Orphanet 27, MedGen C1855114, MONDO:0009612, OMIM 251000.
Methylmalonic aciduria due to complete methylmalonyl-CoA mutase deficiency.

Submissions (6):

Natera, Inc.
Classification: Pathogenic for Methylmalonic aciduria due to complete methylmalonyl-CoA mutase deficiency. Last evaluated: 2025-11-25. Review status: criteria provided, single submitter. Criteria: Natera Variant Classification Schema (03/2026). Collection method: clinical testing. Allele origin: germline.
Comment: The c.312delC variant in MMUT is a frameshift variant predicted to shift the reading frame beginning at codon 105 and leads to a stop codon 75 codons downstream. This variant is expected to result in nonsense mediated decay, truncation, or a dysfunctional protein product. This variant is rare in the general population with a frequency below the threshold expected for the associated phenotype(s). This variant has been observed in one or more individuals affected with the associated recessive disease, as either homozygous or compound heterozygous with a second variant (PMID: 30041674). Given the available evidence, this variant is classified as Pathogenic.

Labcorp Genetics (formerly Invitae), Labcorp
Classification: Pathogenic. Last evaluated: 2024-01-22. Review status: criteria provided, single submitter. Criteria: Invitae Variant Classification Sherloc (09022015). Collection method: clinical testing. Allele origin: germline.
Comment: This sequence change creates a premature translational stop signal (p.Trp105Glyfs*75) in the MUT gene. It is expected to result in an absent or disrupted protein product. Loss-of-function variants in MUT are known to be pathogenic (PMID: 15781192). This variant is not present in population databases (gnomAD no frequency). This premature translational stop signal has been observed in individual(s) with methylmalonic acidemia (PMID: 30041674, 32754920). ClinVar contains an entry for this variant (Variation ID: 419283). For these reasons, this variant has been classified as Pathogenic.

Fulgent Genetics
Classification: Pathogenic for Methylmalonic aciduria due to methylmalonyl-CoA mutase deficiency. Last evaluated: 2021-10-08. Review status: criteria provided, single submitter. Criteria: ACMG Guidelines, 2015. Collection method: clinical testing. Allele origin: unknown.

Revvity Omics, Revvity
Classification: Pathogenic for Methylmalonic aciduria due to methylmalonyl-CoA mutase deficiency. Last evaluated: 2020-03-30. Review status: criteria provided, single submitter. Criteria: ACMG Guidelines, 2015. Collection method: clinical testing. Allele origin: germline.

GeneDx
Classification: Pathogenic. Last evaluated: 2015-06-25. Review status: criteria provided, single submitter. Criteria: GeneDx Variant Classification (06012015). Collection method: clinical testing. Allele origin: germline. Affected: yes.
Comment: The c.312delC deletion in the MUT gene causes a frameshift starting with codon Tryptophan 105,changes this amino acid to a Glycine residue and creates a premature Stop codon at position 75 of the newreading frame, denoted p.Trp105GlyfsX75. This deletion is predicted to cause loss of normal proteinfunction either through protein truncation or nonsense-mediated mRNA decay. Although this variant hasnot been previously reported to our knowledge, it is expected to be pathogenic.

Counsyl
Classification: Likely pathogenic for Methylmalonic aciduria due to methylmalonyl-CoA mutase deficiency. Last evaluated: 2017-07-20. Review status: no assertion criteria provided. Collection method: clinical testing. Allele origin: unknown. Not counted in ClinVar's aggregate classification.

Literature cited by the submitters: PubMed 30041674 (cited by Natera, Inc. and Labcorp Genetics (formerly Invitae), Labcorp); PubMed 15781192 (cited by Labcorp Genetics (formerly Invitae), Labcorp); PubMed 32754920 (cited by Labcorp Genetics (formerly Invitae), Labcorp).

NM_000255.4(MMUT):c.312del (p.Trp105fs)

Gene: MMUT (methylmalonyl-CoA mutase; minus strand). Cytogenetic location: 6p12.3.
Variant type: Deletion.
Coding change: c.312del on transcript NM_000255.4 (MANE Select); coding-DNA position 312, one base deleted (C; older notation c.312delC).
Protein change: p.Trp105fs; shifts the reading frame from tryptophan 105.
Molecular consequence: frameshift variant.
Genome position (GRCh38, 1-based): chr6:49,459,155, G deleted on the plus strand (C on the coding strand, the reverse complement: MMUT is on the minus strand); the first of 3 consecutive G bases (chr6:49,459,155-49,459,157); deleting any one gives the same sequence. VCF-style (leftmost placement, unchanged base first): chr6-49459154-AG-A. GRCh37 (hg19) VCF-style: chr6-49426867-AG-A.
Other names: c.312delC (NM_000255.3); short protein forms W105fs.
Identifiers: ClinVar variation 419283 (VCV000419283.15), dbSNP rs1064793768, ClinGen allele CA16618295.